The following is an entry in ClinVar:

ClinVar aggregate classification (germline): Likely benign. Review status: criteria provided, single submitter (1 of 4 stars). 2 submissions from 2 submitters: Likely benign (1). 1 of the submissions does not count toward it. Last evaluated 2023-03-28.

Conditions:
GLI3-related disorder. Also called: GLI3-related disorders; GLI3-related condition. Identifiers: MedGen CN239292.

Allele frequency attached by ClinVar (database versions not stated): ExAC 0.00002.
gnomAD v4.1: 11 of 1,613,752 alleles (0.00068%); highest among the groups gnomAD compares: East Asian, 0.0022%; no homozygotes.

Submissions (2):

Blueprint Genetics
Classification: Likely benign. Last evaluated: 2023-03-28. Review status: criteria provided, single submitter. Criteria: ACMG Guidelines, 2015. Collection method: clinical testing. Allele origin: germline.

PreventionGenetics, part of Exact Sciences
Classification: Likely benign for GLI3-related condition. Last evaluated: 2019-03-05. Review status: no assertion criteria provided. Collection method: clinical testing. Allele origin: germline. Not counted in ClinVar's aggregate classification.
Comment: This variant is classified as likely benign based on ACMG/AMP sequence variant interpretation guidelines (Richards et al. 2015 PMID: 25741868, with internal and published modifications).

NM_000168.6(GLI3):c.4122G>A (p.Pro1374=)

Gene: GLI3 (GLI family zinc finger 3; minus strand). Cytogenetic location: 7p14.1.
Variant type: single nucleotide variant.
Coding change: c.4122G>A on transcript NM_000168.6 (MANE Select); coding-DNA position 4122, G replaced by A.
Protein change: p.Pro1374=; no amino-acid change (proline 1374 retained).
Molecular consequence: synonymous variant.
Genome position (GRCh38, 1-based): chr7:41,964,951, C>T on the plus strand (G>A on the coding strand, the complement: GLI3 is on the minus strand). VCF-style: chr7-41964951-C-T. GRCh37 (hg19) VCF-style: chr7-42004549-C-T.
Identifiers: ClinVar variation 3058737 (VCV003058737.3), dbSNP rs763631985, ClinGen allele CA4230186.